The following is an entry in ClinVar:

ClinVar aggregate classification (germline): Uncertain significance (1 of 4 stars; one submission).

Conditions:
Inborn genetic diseases. Identifiers: MedGen C0950123, MeSH D030342.

gnomAD v4.1: 1 of 1,613,796 alleles (0.000062%); highest among the groups gnomAD compares: Non-Finnish European, 0.000085%; no homozygotes.

Submission:

Ambry Genetics
Classification: Uncertain significance for Inborn genetic diseases. Last evaluated: 2024-07-30. Review status: criteria provided, single submitter. Criteria: Ambry Variant Classification Scheme 2023. Collection method: clinical testing. Allele origin: germline.
Comment: The p.Q686R variant (also known as c.2057A>G), located in coding exon 17 of the LRRK2 gene, results from an A to G substitution at nucleotide position 2057. The glutamine at codon 686 is replaced by arginine, an amino acid with highly similar properties. This amino acid position is conserved. In addition, this alteration is predicted to be tolerated by in silico analysis. Based on the available evidence, the clinical significance of this variant remains unclear.

NM_198578.4(LRRK2):c.2057A>G (p.Gln686Arg)

Gene: LRRK2 (leucine rich repeat kinase 2; plus strand). Cytogenetic location: 12q12.
Variant type: single nucleotide variant.
Coding change: c.2057A>G on transcript NM_198578.4 (MANE Select); coding-DNA position 2057, A replaced by G.
Protein change: p.Gln686Arg; replaces glutamine 686 with arginine.
Molecular consequence: missense variant.
Genome position (GRCh38, 1-based): chr12:40,278,003, A>G. VCF-style: chr12-40278003-A-G. GRCh37 (hg19) VCF-style: chr12-40671805-A-G.
Other names: short protein forms Q686R.
Identifiers: ClinVar variation 3540540 (VCV003540540.1).